The following is an entry in ClinVar:

ClinVar aggregate classification (germline): Likely benign (1 of 4 stars; one submission).

Allele frequency attached by ClinVar (database versions not stated): gnomAD exomes below 0.00001.
gnomAD v4.1: 5 of 1,451,246 alleles (0.00034%); highest among the groups gnomAD compares: Non-Finnish European, 0.00027%; no homozygotes.

Submission:

CeGaT Center for Human Genetics Tuebingen
Classification: Likely benign. Last evaluated: 2022-11-01. Review status: criteria provided, single submitter. Criteria: CeGaT Center For Human Genetics Tuebingen Variant Classification Criteria Version 2. Collection method: clinical testing. Allele origin: germline. Affected: yes. Observed: 1 variant allele.
Comment: LIPT2: PM2:Supporting, BP4, BP7

NM_001144869.3(LIPT2):c.51C>G (p.Ala17=)

Genes: LIPT2 (lipoyl(octanoyl) transferase 2; minus strand), LIPT2-AS1 (LIPT2 antisense RNA 1; plus strand). Cytogenetic location: 11q13.4.
Variant type: single nucleotide variant.
Coding change: c.51C>G on transcript NM_001144869.3 (MANE Select); coding-DNA position 51, C replaced by G.
Protein change: p.Ala17=; no amino-acid change (alanine 17 retained).
Molecular consequence: synonymous variant. On other transcripts: non-coding transcript variant (1).
Genome position (GRCh38, 1-based): chr11:74,493,653, G>C on the plus strand (C>G on the coding strand, the complement: LIPT2 is on the minus strand). VCF-style: chr11-74493653-G-C. GRCh37 (hg19) VCF-style: chr11-74204698-G-C.
Other names: c.51C>G, p.Ala17= (NM_001329941.2, NM_001329942.2).
Identifiers: ClinVar variation 1879211 (VCV001879211.29), dbSNP rs1197917336, ClinGen allele CA475888802.